The following is an entry in ClinVar:

NC_000003.11:g.(?_10070342)_(10094201_?)del

Gene: FANCD2 (FA complementation group D2; plus strand). Cytogenetic location: 3p25.3.
Variant type: Deletion.
Identifiers: ClinVar variation 3246819 (VCV003246819.1).

ClinVar aggregate classification (germline): Pathogenic (1 of 4 stars; one submission).

Conditions:
Fanconi anemia (FA). Also called: Fanconi's anemia. Identifiers: Orphanet 84, MedGen C0015625, MeSH D005199, MONDO:0019391.

Submission:

Labcorp Genetics (formerly Invitae), Labcorp
Classification: Pathogenic for Fanconi anemia. Last evaluated: 2023-05-20. Review status: criteria provided, single submitter. Criteria: Invitae Variant Classification Sherloc (09022015). Collection method: clinical testing. Allele origin: unknown.
Comment: A similar copy number variant has been observed in individual(s) with Fanconi anemia (PMID: 30713837). In at least one individual the data is consistent with being in trans (on the opposite chromosome) from a pathogenic variant. For these reasons, this variant has been classified as Pathogenic. This variant is a gross deletion of the genomic region encompassing exon(s) 2-18 of the FANCD2 gene, which includes the initiator codon. This deletion extends beyond the assayed region for this gene and therefore may encompass additional genes. It is expected to result in an absent or disrupted protein product. Loss-of-function variants in FANCD2 are known to be pathogenic (PMID: 17436244).

Literature cited by the submitters: PubMed 30713837; PubMed 17436244.